The following is an entry in ClinVar:

NM_000543.5(SMPD1):c.851A>G (p.His284Arg)

Gene: SMPD1 (sphingomyelin phosphodiesterase 1; plus strand). Cytogenetic location: 11p15.4.
Variant type: single nucleotide variant.
Coding change: c.851A>G on transcript NM_000543.5 (MANE Select); coding-DNA position 851, A replaced by G.
Protein change: p.His284Arg; replaces histidine 284 with arginine.
Molecular consequence: missense variant. On other transcripts: 5 prime UTR variant (1), non-coding transcript variant (1).
Genome position (GRCh38, 1-based): chr11:6,391,916, A>G. VCF-style: chr11-6391916-A-G. GRCh37 (hg19) VCF-style: chr11-6413146-A-G.
Other names: c.848A>G, p.His283Arg (NM_001007593.3); c.851A>G, p.His284Arg (NM_001318087.2, NM_001365135.2); c.-111A>G (NM_001318088.2); short protein forms H283R, H284R.
Identifiers: ClinVar variation 3234837 (VCV003234837.20), dbSNP rs1021086003, ClinGen allele CA217299593.

ClinVar aggregate classification (germline): Likely pathogenic (1 of 4 stars; one submission).

Allele frequency attached by ClinVar (database versions not stated): gnomAD exomes below 0.00001; TOPMed below 0.00001; gnomAD 0.00001.

Submission:

CeGaT Center for Human Genetics Tuebingen
Classification: Likely pathogenic. Last evaluated: 2024-04-01. Review status: criteria provided, single submitter. Criteria: CeGaT Center For Human Genetics Tuebingen Variant Classification Criteria Version 2. Collection method: clinical testing. Allele origin: germline. Affected: yes. Observed: 1 variant allele.
Comment: SMPD1: PM1, PM2, PM3, PP4:Moderate